The following is an entry in ClinVar:

NM_178857.6(RP1L1):c.3484G>C (p.Asp1162His)

Gene: RP1L1 (RP1 like 1). Cytogenetic location: 8p23.1.
Variant type: single nucleotide variant.
Coding change: c.3484G>C on transcript NM_178857.6 (MANE Select); coding-DNA position 3484, G replaced by C.
Protein change: p.Asp1162His; replaces aspartic acid 1162 with histidine.
Molecular consequence: missense variant.
Genome position (GRCh38, 1-based): chr8:10,610,614, C>G on the plus strand (G>C on the coding strand, the complement: RP1L1 is on the minus strand). VCF-style: chr8-10610614-C-G. GRCh37 (hg19) VCF-style: chr8-10468124-C-G.
Other names: short protein forms D1162H.
Identifiers: ClinVar variation 911261 (VCV000911261.5), dbSNP rs557920637, ClinGen allele CA4624477.
Genomic context (GRCh38, chr8:10,610,614, plus strand): 5'-GCAGAGCCTGGCTCCATGTGAGCTCCCAGAGGCCTGAGTCCAGCTGGTCTTCCCCAACGT[C>G]ACATCCTGGCCACAGGTCCTTCGAGATGCTGAGCAGCTCCTGGTACCGAGGGGAGTCTTT-3'
Protein context (NP_849188.4, residues 1152-1172): SISKDLWPGC[Asp1162His]VGEDQLDSGL

ClinVar aggregate classification (germline): Conflicting classifications of pathogenicity. Review status: criteria provided, conflicting classifications (1 of 4 stars). 2 submissions from 2 submitters: Uncertain significance (1); Likely benign (1). Last evaluated 2024-11-10.

Conditions:
Occult macular dystrophy (OCMD). Also called: OMD; OCCULT MACULAR DYSTROPHY, SUSCEPTIBILITY TO. Identifiers: Orphanet 247834, MedGen C3150833, MONDO:0013316, OMIM 613587, HP:0030636.
Inborn genetic diseases. Identifiers: MedGen C0950123, MeSH D030342.

Allele frequency attached by ClinVar (database versions not stated): gnomAD 0.00001; TOPMed 0.00001; ExAC 0.00002; gnomAD exomes 0.00002 and 0.00007.
gnomAD v4.1: 101 of 1,613,472 alleles (0.0063%); highest among the groups gnomAD compares: Non-Finnish European, 0.0082%; no homozygotes.

Submissions (2):

Ambry Genetics
Classification: Uncertain significance for Inborn genetic diseases. Last evaluated: 2024-11-10. Review status: criteria provided, single submitter. Criteria: Ambry Variant Classification Scheme 2023. Collection method: clinical testing. Allele origin: germline.

Illumina Laboratory Services, Illumina
Classification: Likely benign for Occult macular dystrophy. Last evaluated: 2018-01-13. Review status: criteria provided, single submitter. Criteria: ICSL Variant Classification Criteria 13 December 2019. Collection method: clinical testing. Allele origin: germline.
Comment: This variant was observed in the ICSL laboratory as part of a predisposition screen in an ostensibly healthy population. It had not been previously curated by ICSL or reported in the Human Gene Mutation Database (HGMD: prior to June 1st, 2018), and was therefore a candidate for classification through an automated scoring system. Utilizing variant allele frequency, disease prevalence and penetrance estimates, and inheritance mode, an automated score was calculated to assess if this variant is too frequent to cause the disease. Based on the score and internal cut-off values, a variant classified as likely benign is not then subjected to further curation. The score for this variant resulted in a classification of likely benign for this disease.